The following is an entry in ClinVar:

ClinVar aggregate classification (germline): Uncertain significance (1 of 4 stars; one submission).

Conditions:
Dilated cardiomyopathy 1JJ (CMD1JJ). Identifiers: Orphanet 154, MedGen C3808935, MONDO:0014095, OMIM 615235.

Submission:

Labcorp Genetics (formerly Invitae), Labcorp
Classification: Uncertain significance for Dilated cardiomyopathy 1JJ. Last evaluated: 2021-11-08. Review status: criteria provided, single submitter. Criteria: Invitae Variant Classification Sherloc (09022015). Collection method: clinical testing. Allele origin: germline.
Comment: This sequence change replaces lysine, which is basic and polar, with glutamine, which is neutral and polar, at codon 675 of the LAMA4 protein (p.Lys675Gln). This variant is not present in population databases (gnomAD no frequency). This variant has not been reported in the literature in individuals affected with LAMA4-related conditions. Algorithms developed to predict the effect of missense changes on protein structure and function (SIFT, PolyPhen-2, Align-GVGD) all suggest that this variant is likely to be tolerated. In summary, the available evidence is currently insufficient to determine the role of this variant in disease. Therefore, it has been classified as a Variant of Uncertain Significance.

NM_001105206.3(LAMA4):c.2044A>C (p.Lys682Gln)

Gene: LAMA4 (laminin subunit alpha 4; minus strand). Cytogenetic location: 6q21.
Variant type: single nucleotide variant.
Coding change: c.2044A>C on transcript NM_001105206.3 (MANE Select); coding-DNA position 2044, A replaced by C.
Protein change: p.Lys682Gln; replaces lysine 682 with glutamine.
Molecular consequence: missense variant.
Genome position (GRCh38, 1-based): chr6:112,154,863, T>G on the plus strand (A>C on the coding strand, the complement: LAMA4 is on the minus strand). VCF-style: chr6-112154863-T-G. GRCh37 (hg19) VCF-style: chr6-112476065-T-G.
Other names: c.2023A>C, p.Lys675Gln (NM_001105207.3, NM_002290.5); short protein forms K675Q, K682Q.
Identifiers: ClinVar variation 1502429 (VCV001502429.6), dbSNP rs1004717885, ClinGen allele CA144870106.